The following is an entry in ClinVar:

ClinVar aggregate classification (germline): Uncertain significance (1 of 4 stars; one submission).

Conditions:
Primary ciliary dyskinesia. Also called: Ciliary dyskinesia. Identifiers: Orphanet 244, MedGen C0008780, MONDO:0016575, HP:0012265.

Allele frequency attached by ClinVar (database versions not stated): gnomAD exomes 0.00001; ExAC 0.00002.
gnomAD v4.1: 3 of 1,584,118 alleles (0.00019%); highest among the groups gnomAD compares: Admixed American, 0.0057%; no homozygotes.

Submission:

Labcorp Genetics (formerly Invitae), Labcorp
Classification: Uncertain significance for Primary ciliary dyskinesia. Last evaluated: 2023-06-21. Review status: criteria provided, single submitter. Criteria: Invitae Variant Classification Sherloc (09022015). Collection method: clinical testing. Allele origin: germline.
Comment: This sequence change falls in intron 40 of the DNAH8 gene. It does not directly change the encoded amino acid sequence of the DNAH8 protein. This variant is present in population databases (rs745427720, gnomAD 0.01%). This variant has not been reported in the literature in individuals affected with DNAH8-related conditions. ClinVar contains an entry for this variant (Variation ID: 2167278). Algorithms developed to predict the effect of sequence changes on RNA splicing suggest that this variant may disrupt the consensus splice site. In summary, the available evidence is currently insufficient to determine the role of this variant in disease. Therefore, it has been classified as a Variant of Uncertain Significance.

NM_001206927.2(DNAH8):c.5572-16T>G

Gene: DNAH8 (dynein axonemal heavy chain 8; plus strand). Cytogenetic location: 6p21.2.
Variant type: single nucleotide variant.
Coding change: c.5572-16T>G on transcript NM_001206927.2 (MANE Select); 16 bases into the intron before coding-DNA position 5572, T replaced by G.
Molecular consequence: intron variant.
Genome position (GRCh38, 1-based): chr6:38,853,170, T>G. VCF-style: chr6-38853170-T-G. GRCh37 (hg19) VCF-style: chr6-38820946-T-G.
Other names: c.4921-16T>G (NM_001371.4).
Identifiers: ClinVar variation 2167278 (VCV002167278.4), dbSNP rs745427720, ClinGen allele CA3789430.